The following is an entry in ClinVar:

ClinVar aggregate classification (germline): Uncertain significance (1 of 4 stars; one submission).

gnomAD v4.1: 20 of 1,606,080 alleles (0.0012%); highest among the groups gnomAD compares: Non-Finnish European, 0.0016%; no homozygotes.

Submission:

Labcorp Genetics (formerly Invitae), Labcorp
Classification: Uncertain significance. Last evaluated: 2025-03-02. Review status: criteria provided, single submitter. Criteria: Invitae Variant Classification Sherloc (09022015). Collection method: clinical testing. Allele origin: germline.
Comment: This sequence change replaces alanine, which is neutral and non-polar, with valine, which is neutral and non-polar, at codon 57 of the DCHS1 protein (p.Ala57Val). The frequency data for this variant in the population databases is considered unreliable, as metrics indicate poor data quality at this position in the gnomAD database. This variant has not been reported in the literature in individuals affected with DCHS1-related conditions. Invitae Evidence Modeling of protein sequence and biophysical properties (such as structural, functional, and spatial information, amino acid conservation, physicochemical variation, residue mobility, and thermodynamic stability) indicates that this missense variant is not expected to disrupt DCHS1 protein function with a negative predictive value of 95%. In summary, the available evidence is currently insufficient to determine the role of this variant in disease. Therefore, it has been classified as a Variant of Uncertain Significance.

NM_003737.4(DCHS1):c.170C>T (p.Ala57Val)

Gene: DCHS1 (dachsous cadherin-related 1; minus strand). Cytogenetic location: 11p15.4.
Variant type: single nucleotide variant.
Coding change: c.170C>T on transcript NM_003737.4 (MANE Select); coding-DNA position 170, C replaced by T.
Protein change: p.Ala57Val; replaces alanine 57 with valine.
Molecular consequence: missense variant.
Genome position (GRCh38, 1-based): chr11:6,641,444, G>A on the plus strand (C>T on the coding strand, the complement: DCHS1 is on the minus strand). VCF-style: chr11-6641444-G-A. GRCh37 (hg19) VCF-style: chr11-6662675-G-A.
Other names: short protein forms A57V.
Identifiers: ClinVar variation 4772395 (VCV004772395.1).